The following is an entry in ClinVar:

NM_133642.5(LARGE1):c.2264A>G (p.Asn755Ser)

Gene: LARGE1 (LARGE xylosyl- and glucuronyltransferase 1; minus strand). Cytogenetic location: 22q12.3.
Variant type: single nucleotide variant.
Coding change: c.2264A>G on transcript NM_133642.5 (MANE Select); coding-DNA position 2264, A replaced by G.
Protein change: p.Asn755Ser; replaces asparagine 755 with serine.
Molecular consequence: missense variant.
Genome position (GRCh38, 1-based): chr22:33,274,434, T>C on the plus strand (A>G on the coding strand, the complement: LARGE1 is on the minus strand). VCF-style: chr22-33274434-T-C. GRCh37 (hg19) VCF-style: chr22-33670420-T-C.
Other names: c.2264A>G, p.Asn755Ser (NM_004737.7, NM_001362949.2, NM_001362951.2 and 4 more transcripts); c.2117A>G, p.Asn706Ser (NM_001378627.1, NM_001378628.1); c.2108A>G, p.Asn703Ser (NM_001378629.1); c.1661A>G, p.Asn554Ser (NM_001378630.1); c.1358A>G, p.Asn453Ser (NM_001378631.1); short protein forms N706S, N453S, N554S, N703S, N755S.
Identifiers: ClinVar variation 1039228 (VCV001039228.6), dbSNP rs755283207, ClinGen allele CA10202538.
Genomic context (GRCh38, chr22:33,274,434, plus strand): 5'-CGAGTGGCACTTCCCCTACAGCATGTCTCCCCCTAGTGGTGGGCTTCTTGGTGCTAGCTG[T>C]TGTTCTCGGCTGTGAGATATTTCAGGGCAGCAAAGCCGTAGCGGCGGGACATGTCCTGCT-3'
Protein context (NP_598397.1, residues 745-756): AALKYLTAEN[Asn755Ser]S

ClinVar aggregate classification (germline): Uncertain significance (1 of 4 stars; one submission).

Conditions:
Muscular dystrophy-dystroglycanopathy type B6 (MDDGB6). Also called: MUSCULAR DYSTROPHY, CONGENITAL, LARGE-RELATED; MUSCULAR DYSTROPHY, CONGENITAL, TYPE 1D; MUSCULAR DYSTROPHY-DYSTROGLYCANOPATHY (CONGENITAL WITH IMPAIRED INTELLECTUAL DEVELOPMENT), TYPE B, 6. Identifiers: MedGen C1837229, MONDO:0012138, OMIM 608840.

Allele frequency attached by ClinVar (database versions not stated): gnomAD exomes below 0.00001 and 0.00002; TOPMed 0.00001; ExAC 0.00002.
gnomAD v4.1: 8 of 1,614,184 alleles (0.0005%); highest among the groups gnomAD compares: Middle Eastern, 0.016%; no homozygotes.

Submission:

Labcorp Genetics (formerly Invitae), Labcorp
Classification: Uncertain significance for Muscular dystrophy-dystroglycanopathy type B6. Last evaluated: 2021-08-31. Review status: criteria provided, single submitter. Criteria: Invitae Variant Classification Sherloc (09022015). Collection method: clinical testing. Allele origin: germline.
Comment: This sequence change replaces asparagine with serine at codon 755 of the LARGE1 protein (p.Asn755Ser). The asparagine residue is highly conserved and there is a small physicochemical difference between asparagine and serine. This variant is present in population databases (rs755283207, ExAC 0.006%). This variant has not been reported in the literature in individuals affected with LARGE1-related conditions. Algorithms developed to predict the effect of missense changes on protein structure and function (SIFT, PolyPhen-2, Align-GVGD) all suggest that this variant is likely to be tolerated. In summary, the available evidence is currently insufficient to determine the role of this variant in disease. Therefore, it has been classified as a Variant of Uncertain Significance.